The following is an entry in ClinVar:

NM_199420.4(POLQ):c.3875A>G (p.Gln1292Arg)

Gene: POLQ (DNA polymerase theta; minus strand). Cytogenetic location: 3q13.33.
Variant type: single nucleotide variant.
Coding change: c.3875A>G on transcript NM_199420.4 (MANE Select); coding-DNA position 3875, A replaced by G.
Protein change: p.Gln1292Arg; replaces glutamine 1292 with arginine.
Molecular consequence: missense variant.
Genome position (GRCh38, 1-based): chr3:121,489,056, T>C on the plus strand (A>G on the coding strand, the complement: POLQ is on the minus strand). VCF-style: chr3-121489056-T-C. GRCh37 (hg19) VCF-style: chr3-121207903-T-C.
Other names: short protein forms Q1292R.
Identifiers: ClinVar variation 1735742 (VCV001735742.2), dbSNP rs1452572032, ClinGen allele CA354096784.

ClinVar aggregate classification (germline): Uncertain significance (1 of 4 stars; one submission).

gnomAD v4.1: 11 of 1,613,358 alleles (0.00068%); highest among the groups gnomAD compares: Admixed American, 0.0017%; no homozygotes.

Submission:

Ambry Genetics
Classification: Uncertain significance. Last evaluated: 2022-05-27. Review status: criteria provided, single submitter. Criteria: Ambry Variant Classification Scheme 2023. Collection method: clinical testing. Allele origin: germline.
Comment: The p.Q1292R variant (also known as c.3875A>G), located in coding exon 16 of the POLQ gene, results from an A to G substitution at nucleotide position 3875. The glutamine at codon 1292 is replaced by arginine, an amino acid with highly similar properties. This amino acid position is conserved. In addition, this alteration is predicted to be tolerated by in silico analysis. Since supporting evidence is limited at this time, the clinical significance of this alteration remains unclear.